The following is an entry in ClinVar:

NM_000383.4(AIRE):c.1182C>A (p.Tyr394Ter)

Gene: AIRE (autoimmune regulator; plus strand). Cytogenetic location: 21q22.3.
Variant type: single nucleotide variant.
Coding change: c.1182C>A on transcript NM_000383.4 (MANE Select); coding-DNA position 1182, C replaced by A.
Protein change: p.Tyr394Ter; replaces tyrosine 394 with a stop codon.
Molecular consequence: nonsense.
Genome position (GRCh38, 1-based): chr21:44,293,079, C>A. VCF-style: chr21-44293079-C-A. GRCh37 (hg19) VCF-style: chr21-45712962-C-A.
Other names: short protein forms Y394*.
Identifiers: ClinVar variation 1071086 (VCV001071086.7), dbSNP rs1482020075, ClinGen allele CA410425415.

ClinVar aggregate classification (germline): Pathogenic (1 of 4 stars; one submission).

Conditions:
Polyglandular autoimmune syndrome, type 1 (APS1). Also called: Autoimmune polyendocrinopathy syndrome , type I, with or without reversible metaphyseal dysplasia; Autoimmune polyendocrine syndrome type 1; Autoimmune polyendocrinopathy syndrome, type I; PGA I; Whitaker syndrome; AUTOIMMUNE POLYENDOCRINE SYNDROME, TYPE I, WITH OR WITHOUT REVERSIBLE METAPHYSEAL DYSPLASIA. Identifiers: Orphanet 3453, MedGen C0085859, MONDO:0009411, OMIM 240300.

Submission:

Labcorp Genetics (formerly Invitae), Labcorp
Classification: Pathogenic for Polyglandular autoimmune syndrome, type 1. Last evaluated: 2020-01-03. Review status: criteria provided, single submitter. Criteria: Invitae Variant Classification Sherloc (09022015). Collection method: clinical testing. Allele origin: germline.
Comment: This variant is not present in population databases (ExAC no frequency). For these reasons, this variant has been classified as Pathogenic. Loss-of-function variants in AIRE are known to be pathogenic (PMID: 11524731, 26141571). This variant has not been reported in the literature in individuals with AIRE-related conditions. This sequence change creates a premature translational stop signal (p.Tyr394*) in the AIRE gene. It is expected to result in an absent or disrupted protein product.

Literature cited by the submitters: PubMed 11524731; PubMed 26141571.